The following is an entry in ClinVar:

ClinVar aggregate classification (germline): Benign (1 of 4 stars; one submission).

Conditions:
Autosomal recessive polycystic kidney disease (ARPKD). Also called: AR polycystic kidney disease. Identifiers: Orphanet 731, Orphanet 8378, MedGen C0085548, MeSH D017044, MONDO:0009889.

Allele frequency attached by ClinVar (database versions not stated): gnomAD 0.02041 and 0.02192; 1000 Genomes Project 0.02196; 1000 Genomes Project 30x 0.02327; TOPMed 0.02348.

Submission:

Illumina Laboratory Services, Illumina
Classification: Benign for Polycystic kidney disease 4. Last evaluated: 2018-01-12. Review status: criteria provided, single submitter. Criteria: ICSL Variant Classification Criteria 13 December 2019. Collection method: clinical testing. Allele origin: germline.
Comment: This variant was observed in the ICSL laboratory as part of a predisposition screen in an ostensibly healthy population. It had not been previously curated by ICSL or reported in the Human Gene Mutation Database (HGMD: prior to June 1st, 2018), and was therefore a candidate for classification through an automated scoring system. Utilizing variant allele frequency, disease prevalence and penetrance estimates, and inheritance mode, an automated score was calculated to assess if this variant is too frequent to cause the disease. Based on the score and internal cut-off values, a variant classified as benign is not then subjected to further curation. The score for this variant resulted in a classification of benign for this disease.

NM_138694.4(PKHD1):c.*3025C>T

Gene: PKHD1 (PKHD1 ciliary IPT domain containing fibrocystin/polyductin; minus strand). Cytogenetic location: 6p12.3.
Variant type: single nucleotide variant.
Coding change: c.*3025C>T on transcript NM_138694.4 (MANE Select); 3025 bases downstream of the stop codon, C replaced by T.
Molecular consequence: 3 prime UTR variant.
Genome position (GRCh38, 1-based): chr6:51,616,056, G>A on the plus strand (C>T on the coding strand, the complement: PKHD1 is on the minus strand). VCF-style: chr6-51616056-G-A. GRCh37 (hg19) VCF-style: chr6-51480854-G-A.
Identifiers: ClinVar variation 357363 (VCV000357363.5), dbSNP rs2771012, ClinGen allele CA10622395.